The following is an entry in ClinVar:

NM_001130823.3(DNMT1):c.11G>C (p.Arg4Pro)

Genes: DNMT1 (DNA methyltransferase 1; minus strand), LOC130063472 (ATAC-STARR-seq lymphoblastoid silent region 10057; plus strand). Cytogenetic location: 19p13.2.
Variant type: single nucleotide variant.
Coding change: c.11G>C on transcript NM_001130823.3 (MANE Select); coding-DNA position 11, G replaced by C.
Protein change: p.Arg4Pro; replaces arginine 4 with proline.
Molecular consequence: missense variant. On other transcripts: 5 prime UTR variant (1).
Genome position (GRCh38, 1-based): chr19:10,194,889, C>G on the plus strand (G>C on the coding strand, the complement: DNMT1 is on the minus strand). VCF-style: chr19-10194889-C-G. GRCh37 (hg19) VCF-style: chr19-10305565-C-G.
Other names: c.11G>C, p.Arg4Pro (NM_001379.4, NM_001318730.2); c.-313G>C (NM_001318731.2); short protein forms R4P.
Identifiers: ClinVar variation 4695912 (VCV004695912.1).
Genomic context (GRCh38, chr19:10,194,889, plus strand): 5'-ACATCGTCGGGCAGCGAGATGGCCGGGACGGCCAGTGTGGGCACCCGGGCTGGGGCGGTA[C>G]GCGCCGGCATCTCGGAGGCTTCAGCAGACGCGGCGGCGGCAGCGCAGGCGCCCCGGCTTT-3'
Protein context (NP_001124295.1, residues 1-14): MPA[Arg4Pro]TAPARVPTLA

ClinVar aggregate classification (germline): Uncertain significance (1 of 4 stars; one submission).

Conditions:
Hereditary sensory neuropathy-deafness-dementia syndrome. Also called: NEUROPATHY, HEREDITARY SENSORY, WITH HEARING LOSS AND DEMENTIA; HSN IE; Hereditary sensory neuropathy type IE; Hereditary Sensory and Autonomic Neuropathy Type 1E (HSAN1E). Identifiers: Orphanet 456318, MedGen C3279885, MONDO:0013584, OMIM 614116.

gnomAD v4.1: 11 of 1,609,198 alleles (0.00068%); highest among the groups gnomAD compares: Non-Finnish European, 0.00085%; no homozygotes.

Submission:

Labcorp Genetics (formerly Invitae), Labcorp
Classification: Uncertain significance for Hereditary sensory neuropathy-deafness-dementia syndrome. Last evaluated: 2025-05-21. Review status: criteria provided, single submitter. Criteria: Invitae Variant Classification Sherloc (09022015). Collection method: clinical testing. Allele origin: germline.
Comment: This sequence change replaces arginine, which is basic and polar, with proline, which is neutral and non-polar, at codon 4 of the DNMT1 protein (p.Arg4Pro). This variant is not present in population databases (gnomAD no frequency). This variant has not been reported in the literature in individuals affected with DNMT1-related conditions. An algorithm developed to predict the effect of missense changes on protein structure and function (PolyPhen-2) suggests that this variant is likely to be disruptive. In summary, the available evidence is currently insufficient to determine the role of this variant in disease. Therefore, it has been classified as a Variant of Uncertain Significance.